The following is an entry in ClinVar:

ClinVar aggregate classification (germline): Likely benign. Review status: criteria provided, single submitter (1 of 4 stars). 2 submissions from 2 submitters: Likely benign (1). 1 of the submissions does not count toward it. Last evaluated 2018-05-15.

Conditions:
SFTPA1-related disorder. Also called: SFTPA1-related condition.

Allele frequency attached by ClinVar (database versions not stated): gnomAD exomes 0.00001; ExAC 0.00002; gnomAD 0.00002 and 0.00003; TOPMed 0.00004; 1000 Genomes Project 30x 0.00016; 1000 Genomes Project 0.00020.

Submissions (2):

Labcorp Genetics (formerly Invitae), Labcorp
Classification: Likely benign. Last evaluated: 2018-05-15. Review status: criteria provided, single submitter. Criteria: Invitae Variant Classification Sherloc (09022015). Collection method: clinical testing. Allele origin: germline.

PreventionGenetics, part of Exact Sciences
Classification: Likely benign for SFTPA1-related condition. Last evaluated: 2019-10-18. Review status: no assertion criteria provided. Collection method: clinical testing. Allele origin: germline. Not counted in ClinVar's aggregate classification.
Comment: This variant is classified as likely benign based on ACMG/AMP sequence variant interpretation guidelines (Richards et al. 2015 PMID: 25741868, with internal and published modifications).

NM_005411.5(SFTPA1):c.99C>T (p.Pro33=)

Gene: SFTPA1 (surfactant protein A1; plus strand). Cytogenetic location: 10q22.3.
Variant type: single nucleotide variant.
Coding change: c.99C>T on transcript NM_005411.5 (MANE Select); coding-DNA position 99, C replaced by T.
Protein change: p.Pro33=; no amino-acid change (proline 33 retained).
Molecular consequence: synonymous variant. On other transcripts: intron variant (2).
Genome position (GRCh38, 1-based): chr10:79,611,924, C>T. VCF-style: chr10-79611924-C-T. GRCh37 (hg19) VCF-style: chr10-81371680-C-T.
Other names: c.144C>T, p.Pro48= (NM_001093770.3); c.99C>T, p.Pro33= (NM_001164644.2, NM_001164647.1); c.85+14C>T (NM_001164646.2); c.130+14C>T (NM_001164645.2).
Identifiers: ClinVar variation 744040 (VCV000744040.5), dbSNP rs552436230, ClinGen allele CA5574385.